The following is an entry in ClinVar:

ClinVar aggregate classification (germline): Uncertain significance (1 of 4 stars; one submission).

Conditions:
Ataxia-telangiectasia syndrome (AT). Also called: Cerebello-oculocutaneous telangiectasia; Immunodeficiency with ataxia telangiectasia; AT, COMPLEMENTATION GROUP C; Ataxia-telangiectasia, complementation group E; LOUIS-BAR SYNDROME; ATAXIA-TELANGIECTASIA, COMPLEMENTATION GROUP A. Identifiers: Orphanet 100, MedGen C0004135, MONDO:0008840, OMIM 208900.

Allele frequency attached by ClinVar (database versions not stated): gnomAD exomes below 0.00001; TOPMed below 0.00001; gnomAD 0.00001.
gnomAD v4.1: 2 of 1,609,140 alleles (0.00012%); highest among the groups gnomAD compares: Non-Finnish European, 0.00017%; no homozygotes.

Submission:

Labcorp Genetics (formerly Invitae), Labcorp
Classification: Uncertain significance for Ataxia-telangiectasia syndrome. Last evaluated: 2022-02-19. Review status: criteria provided, single submitter. Criteria: Invitae Variant Classification Sherloc (09022015). Collection method: clinical testing. Allele origin: germline.
Comment: In summary, the available evidence is currently insufficient to determine the role of this variant in disease. Therefore, it has been classified as a Variant of Uncertain Significance. Advanced modeling of protein sequence and biophysical properties (such as structural, functional, and spatial information, amino acid conservation, physicochemical variation, residue mobility, and thermodynamic stability) performed at Invitae indicates that this missense variant is not expected to disrupt ATM protein function. This variant has not been reported in the literature in individuals affected with ATM-related conditions. This variant is not present in population databases (gnomAD no frequency). This sequence change replaces aspartic acid, which is acidic and polar, with glutamic acid, which is acidic and polar, at codon 1215 of the ATM protein (p.Asp1215Glu).

NM_000051.4(ATM):c.3645T>A (p.Asp1215Glu)

Gene: ATM (ATM serine/threonine kinase; plus strand). Cytogenetic location: 11q22.3.
Variant type: single nucleotide variant.
Coding change: c.3645T>A on transcript NM_000051.4 (MANE Select); coding-DNA position 3645, T replaced by A.
Protein change: p.Asp1215Glu; replaces aspartic acid 1215 with glutamic acid.
Molecular consequence: missense variant.
Genome position (GRCh38, 1-based): chr11:108,282,778, T>A. VCF-style: chr11-108282778-T-A. GRCh37 (hg19) VCF-style: chr11-108153505-T-A.
Other names: c.3645T>A, p.Asp1215Glu (NM_001351834.2); short protein forms D1215E.
Identifiers: ClinVar variation 1374812 (VCV001374812.6), dbSNP rs1364817146, ClinGen allele CA382522942.